The following is an entry in ClinVar:

NM_017636.4(TRPM4):c.1453G>A (p.Gly485Ser)

Gene: TRPM4 (transient receptor potential cation channel subfamily M member 4; plus strand). Cytogenetic location: 19q13.33.
Variant type: single nucleotide variant.
Coding change: c.1453G>A on transcript NM_017636.4 (MANE Select); coding-DNA position 1453, G replaced by A.
Protein change: p.Gly485Ser; replaces glycine 485 with serine.
Molecular consequence: missense variant. On other transcripts: 5 prime UTR variant (1).
Genome position (GRCh38, 1-based): chr19:49,182,767, G>A. VCF-style: chr19-49182767-G-A. GRCh37 (hg19) VCF-style: chr19-49686024-G-A.
Other names: c.1453G>A, p.Gly485Ser (NM_001195227.2); c.1108G>A, p.Gly370Ser (NM_001321281.2); c.-101G>A (NM_001321282.2); c.931G>A, p.Gly311Ser (NM_001321283.2); c.391G>A, p.Gly131Ser (NM_001321285.2); short protein forms G485S, G131S, G311S, G370S.
Identifiers: ClinVar variation 409633 (VCV000409633.10), dbSNP rs773556358, ClinGen allele CA9569197.
Genomic context (GRCh38, chr19:49,182,767, plus strand): 5'-AGCGCGGCGCCCTCCAACTCGCTCATCCGCAACCTTTTGGACCAGGCGTCCCACAGCGCA[G>A]GCACCAAAGCCCCAGCCCTAAAAGGGGGAGCTGCGGAGCTCCGGCCCCCTGACGTGGGGC-3'
Protein context (NP_060106.2, residues 475-495): NLLDQASHSA[Gly485Ser]TKAPALKGGA

ClinVar aggregate classification (germline): Uncertain significance. Review status: criteria provided, multiple submitters, no conflicts (2 of 4 stars). 2 submissions from 2 submitters: Uncertain significance (2). Last evaluated 2025-10-06.

Conditions:
Cardiovascular phenotype. Identifiers: MedGen CN230736.
Progressive familial heart block type IB (PFHB1B). Identifiers: Orphanet 871, MedGen C1970298, MONDO:0011474, OMIM 604559.

Allele frequency attached by ClinVar (database versions not stated): gnomAD exomes 0.00001; ExAC 0.00002.
gnomAD v4.1: 5 of 1,613,254 alleles (0.00031%); highest among the groups gnomAD compares: Non-Finnish European, 0.00025%; no homozygotes.

Submissions (2):

Labcorp Genetics (formerly Invitae), Labcorp
Classification: Uncertain significance for Progressive familial heart block type IB. Last evaluated: 2025-10-06. Review status: criteria provided, single submitter. Criteria: Invitae Variant Classification Sherloc (09022015). Collection method: clinical testing. Allele origin: germline.
Comment: This sequence change replaces glycine, which is neutral and non-polar, with serine, which is neutral and polar, at codon 485 of the TRPM4 protein (p.Gly485Ser). This variant is present in population databases (rs773556358, gnomAD 0.002%). This variant has not been reported in the literature in individuals affected with TRPM4-related conditions. ClinVar contains an entry for this variant (Variation ID: 409633). An algorithm developed to predict the effect of missense changes on protein structure and function outputs the following: PolyPhen-2: "Benign". The serine amino acid residue is found in multiple mammalian species, which suggests that this missense change does not adversely affect protein function. In summary, the available evidence is currently insufficient to determine the role of this variant in disease. Therefore, it has been classified as a Variant of Uncertain Significance.

Ambry Genetics
Classification: Uncertain significance for Cardiovascular phenotype. Last evaluated: 2021-11-09. Review status: criteria provided, single submitter. Criteria: Ambry Variant Classification Scheme 2023. Collection method: clinical testing. Allele origin: germline.
Comment: The p.G485S variant (also known as c.1453G>A), located in coding exon 11 of the TRPM4 gene, results from a G to A substitution at nucleotide position 1453. The glycine at codon 485 is replaced by serine, an amino acid with similar properties. This amino acid position is conserved. In addition, this alteration is predicted to be tolerated by in silico analysis. Since supporting evidence is limited at this time, the clinical significance of this alteration remains unclear.